The following is an entry in ClinVar:

NM_025137.4(SPG11):c.1828T>G (p.Leu610Val)

Gene: SPG11 (SPG11 vesicle trafficking associated, spatacsin; minus strand). Cytogenetic location: 15q21.1.
Variant type: single nucleotide variant.
Coding change: c.1828T>G on transcript NM_025137.4 (MANE Select); coding-DNA position 1828, T replaced by G.
Protein change: p.Leu610Val; replaces leucine 610 with valine.
Molecular consequence: missense variant.
Genome position (GRCh38, 1-based): chr15:44,629,296, A>C on the plus strand (T>G on the coding strand, the complement: SPG11 is on the minus strand). VCF-style: chr15-44629296-A-C. GRCh37 (hg19) VCF-style: chr15-44921494-A-C.
Other names: c.1828T>G, p.Leu610Val (NM_001160227.2, NM_001411132.1); short protein forms L610V.
Identifiers: ClinVar variation 1780889 (VCV001780889.2), dbSNP rs2505601638, ClinGen allele CA392234597.
Genomic context (GRCh38, chr15:44,629,296, plus strand): 5'-CAGTGTGAATGAAAAGCTCCTTTATTTGGTTGTTAAGGAAAGACAGTGTAAGATTAAGCA[A>C]TTGTTCTGAAAAGTGTTTGCTTTGGGGTTCAGAATAACTTTCTCTAATTGCCGAGCAAAG-3'
Protein context (NP_079413.3, residues 600-620): EPQSKHFSEQ[Leu610Val]LNLTLSFLNN

ClinVar aggregate classification (germline): Uncertain significance (1 of 4 stars; one submission).

Conditions:
Inborn genetic diseases. Identifiers: MedGen C0950123, MeSH D030342.

gnomAD v4.1: 4 of 1,614,124 alleles (0.00025%); highest among the groups gnomAD compares: South Asian, 0.0044%; no homozygotes.

Submission:

Ambry Genetics
Classification: Uncertain significance for Inborn genetic diseases. Last evaluated: 2021-02-19. Review status: criteria provided, single submitter. Criteria: Ambry Variant Classification Scheme 2023. Collection method: clinical testing. Allele origin: germline.
Comment: The p.L610V variant (also known as c.1828T>G), located in coding exon 9 of the SPG11 gene, results from a T to G substitution at nucleotide position 1828. The leucine at codon 610 is replaced by valine, an amino acid with highly similar properties. This amino acid position is highly conserved in available vertebrate species. In addition, the in silico prediction for this alteration is inconclusive. Since supporting evidence is limited at this time, the clinical significance of this alteration remains unclear.